The following is an entry in ClinVar:

ClinVar aggregate classification (germline): Benign. Review status: criteria provided, multiple submitters, no conflicts (2 of 4 stars). 2 submissions from 2 submitters: Benign (2). Last evaluated 2018-06-14.

Allele frequency attached by ClinVar (database versions not stated): 1000 Genomes Project 0.01577; gnomAD 0.01651; 1000 Genomes Project 30x 0.01671; TOPMed 0.01870.
gnomAD v4.1: 2,600 of 152,284 alleles (1.7%); highest among the groups gnomAD compares: African/African-American, 5.1%; 55 homozygotes.

Submissions (2):

GeneDx
Classification: Benign. Last evaluated: 2018-06-14. Review status: criteria provided, single submitter. Criteria: GeneDx Variant Classification (06012015). Collection method: clinical testing. Allele origin: germline. Affected: yes.
Comment: This variant is considered likely benign or benign based on one or more of the following criteria: it is a conservative change, it occurs at a poorly conserved position in the protein, it is predicted to be benign by multiple in silico algorithms, and/or has population frequency not consistent with disease.

Breakthrough Genomics
Classification: Benign. Review status: criteria provided, single submitter. Criteria: ACMG Guidelines, 2015. Collection method: not provided. Allele origin: germline. Inheritance: Autosomal recessive inheritance. Affected: yes.

NM_001042545.2(LTBP4):c.4367-164G>T

Gene: LTBP4 (latent transforming growth factor beta binding protein 4; plus strand). Cytogenetic location: 19q13.2.
Variant type: single nucleotide variant.
Coding change: c.4367-164G>T on transcript NM_001042545.2 (MANE Select); 164 bases into the intron before coding-DNA position 4367, G replaced by T.
Molecular consequence: intron variant.
Genome position (GRCh38, 1-based): chr19:40,627,541, G>T. VCF-style: chr19-40627541-G-T. GRCh37 (hg19) VCF-style: chr19-41133446-G-T.
Other names: c.4457-164G>T (NM_003573.2); c.4568-164G>T (NM_001042544.1).
Identifiers: ClinVar variation 679979 (VCV000679979.2), dbSNP rs76805971, ClinGen allele CA308436633.
Genomic context (GRCh38, chr19:40,627,541, plus strand): 5'-GGGACAGAGAAGTGTCTATAGCCCGGCAAAGAAAGAGAAGGTGGCAGAGGGAAAGCTGGC[G>T]AGAGAATGAGGTAAGCTTACTGGCCCCGCAGCACCCGCCACAGCCCTGGAGCGGGATGGA-3'